The following is an entry in ClinVar:

ClinVar aggregate classification (germline): Uncertain significance. Review status: criteria provided, multiple submitters, no conflicts (2 of 4 stars). 2 submissions from 2 submitters: Uncertain significance (2). Last evaluated 2025-05-13.

Submissions (2):

Labcorp Genetics (formerly Invitae), Labcorp
Classification: Uncertain significance. Last evaluated: 2025-05-13. Review status: criteria provided, single submitter. Criteria: Invitae Variant Classification Sherloc (09022015). Collection method: clinical testing. Allele origin: germline.
Comment: This sequence change falls in intron 7 of the CLCN4 gene. It does not directly change the encoded amino acid sequence of the CLCN4 protein. This variant is not present in population databases (gnomAD no frequency). This variant has not been reported in the literature in individuals affected with CLCN4-related conditions. ClinVar contains an entry for this variant (Variation ID: 1321497). Algorithms developed to predict the effect of sequence changes on RNA splicing suggest that this variant may disrupt the consensus splice site. In summary, the available evidence is currently insufficient to determine the role of this variant in disease. Therefore, it has been classified as a Variant of Uncertain Significance.

GeneDx
Classification: Uncertain significance. Last evaluated: 2021-11-09. Review status: criteria provided, single submitter. Criteria: GeneDx Variant Classification Process June 2021. Collection method: clinical testing. Allele origin: germline. Affected: yes.
Comment: Not observed at significant frequency in large population cohorts (Lek et al., 2016); In silico analysis supports a deleterious effect on splicing; Has not been previously published as pathogenic or benign to our knowledge

NM_001830.4(CLCN4):c.763-13_763-10del

Gene: CLCN4 (chloride voltage-gated channel 4; plus strand). Cytogenetic location: Xp22.2.
Variant type: Deletion.
Coding change: c.763-13_763-10del on transcript NM_001830.4 (MANE Select); 13 bases into the intron before coding-DNA position 763 through 10 bases into the intron before coding-DNA position 763, 4 bases deleted (ATTT; older notation c.763-13_763-10delATTT).
Molecular consequence: intron variant.
Genome position (GRCh38, 1-based): chrX:10,206,683-10,206,686, ATTT deleted; deleting any 4 consecutive bases within chrX:10,206,682-10,206,686 gives the same sequence; the c. name uses the placement nearest the transcript's 3' end. VCF-style (leftmost placement, unchanged base first): chrX-10206681-CTATT-C. GRCh37 (hg19) VCF-style: chrX-10174721-CTATT-C.
Other names: c.481-13_481-10del (NM_001256944.2).
Identifiers: ClinVar variation 1321497 (VCV001321497.3), dbSNP rs1924396449, ClinGen allele CA1131015003.